The following is an entry in ClinVar:

NM_006289.4(TLN1):c.6942C>T (p.Ala2314=)

Gene: TLN1 (talin 1; minus strand). Cytogenetic location: 9p13.3.
Variant type: single nucleotide variant.
Coding change: c.6942C>T on transcript NM_006289.4 (MANE Select); coding-DNA position 6942, C replaced by T.
Protein change: p.Ala2314=; no amino-acid change (alanine 2314 retained).
Molecular consequence: synonymous variant.
Genome position (GRCh38, 1-based): chr9:35,699,089, G>A on the plus strand (C>T on the coding strand, the complement: TLN1 is on the minus strand). VCF-style: chr9-35699089-G-A. GRCh37 (hg19) VCF-style: chr9-35699086-G-A.
Identifiers: ClinVar variation 3905258 (VCV003905258.10).

ClinVar aggregate classification (germline): Likely benign (1 of 4 stars; one submission).

gnomAD v4.1: 45 of 1,613,988 alleles (0.0028%); highest among the groups gnomAD compares: South Asian, 0.014%; no homozygotes.

Submission:

CeGaT Center for Human Genetics Tuebingen
Classification: Likely benign. Last evaluated: 2025-05-01. Review status: criteria provided, single submitter. Criteria: CeGaT Center For Human Genetics Tuebingen Variant Classification Criteria Version 2. Collection method: clinical testing. Allele origin: germline. Affected: yes. Observed: 1 variant allele.
Comment: TLN1: BP4, BP7